The following is an entry in ClinVar:

ClinVar aggregate classification (germline): Likely benign. Review status: criteria provided, multiple submitters, no conflicts (2 of 4 stars). 2 submissions from 2 submitters: Likely benign (2). Last evaluated 2024-08-11.

Conditions:
Autosomal dominant striatal neurodegeneration type 1. Identifiers: Orphanet 228169, MedGen C4310808, MONDO:0012205, OMIM 609161.

Allele frequency attached by ClinVar (database versions not stated): TOPMed 0.00001; ExAC 0.00002; gnomAD exomes 0.00002.

Submissions (2):

Labcorp Genetics (formerly Invitae), Labcorp
Classification: Likely benign. Last evaluated: 2024-08-11. Review status: criteria provided, single submitter. Criteria: Invitae Variant Classification Sherloc (09022015). Collection method: clinical testing. Allele origin: germline.

Illumina Laboratory Services, Illumina
Classification: Likely benign for Autosomal dominant striatal neurodegeneration type 1. Last evaluated: 2018-01-12. Review status: criteria provided, single submitter. Criteria: ICSL Variant Classification Criteria 13 December 2019. Collection method: clinical testing. Allele origin: germline.
Comment: This variant was observed in the ICSL laboratory as part of a predisposition screen in an ostensibly healthy population. It had not been previously curated by ICSL or reported in the Human Gene Mutation Database (HGMD: prior to June 1st, 2018), and was therefore a candidate for classification through an automated scoring system. Utilizing variant allele frequency, disease prevalence and penetrance estimates, and inheritance mode, an automated score was calculated to assess if this variant is too frequent to cause the disease. Based on the score and internal cut-off values, a variant classified as likely benign is not then subjected to further curation. The score for this variant resulted in a classification of likely benign for this disease.

NM_003719.5(PDE8B):c.876+15C>T

Gene: PDE8B (phosphodiesterase 8B; plus strand). Cytogenetic location: 5q13.3.
Variant type: single nucleotide variant.
Coding change: c.876+15C>T on transcript NM_003719.5 (MANE Select); 15 bases into the intron after coding-DNA position 876, C replaced by T.
Molecular consequence: intron variant.
Genome position (GRCh38, 1-based): chr5:77,344,946, C>T. VCF-style: chr5-77344946-C-T. GRCh37 (hg19) VCF-style: chr5-76640771-C-T.
Other names: c.636+15C>T (NM_001349750.3); c.633+15C>T (NM_001376069.1); c.573+15C>T (NM_001376062.1, NM_001376072.1, NM_001376070.1 and 1 more transcripts); c.570+15C>T (NM_001349752.3, NM_001376071.1); c.513+15C>T (NM_001376066.1, NM_001376074.1); c.504+15C>T (NM_001349753.2, NM_001376067.1, NM_001376075.1 and 1 more transcripts); c.939+15C>T (NM_001349749.3); c.876+15C>T (NM_001029852.4, NM_001376063.1, NM_001376064.1 and 2 more transcripts); and 2 more.
Identifiers: ClinVar variation 903930 (VCV000903930.6), dbSNP rs756229238, ClinGen allele CA3315063.
Genomic context (GRCh38, chr5:77,344,946, plus strand): 5'-CTGTCATGAAGCCATAGAAATAACAAGCGATGACCACGTGATTCAGGTATGGAAAGAAAC[C>T]ACCTCTATCATTAACATTCAAAATGAACCTTTCAGGTTTAAGCCACACTTTTTATCAAGT-3'